The following is an entry in ClinVar:

NM_001927.4(DES):c.1244G>A (p.Arg415Gln)

Gene: DES (desmin; plus strand). Cytogenetic location: 2q35.
Variant type: single nucleotide variant.
Coding change: c.1244G>A on transcript NM_001927.4 (MANE Select); coding-DNA position 1244, G replaced by A.
Protein change: p.Arg415Gln; replaces arginine 415 with glutamine.
Molecular consequence: missense variant.
Genome position (GRCh38, 1-based): chr2:219,421,560, G>A. VCF-style: chr2-219421560-G-A. GRCh37 (hg19) VCF-style: chr2-220286282-G-A.
Other names: c.1244G>A (LRG_380t1); short protein forms R415Q.
Identifiers: ClinVar variation 626714 (VCV000626714.12), dbSNP rs1262288015, ClinGen allele CA350695133.

ClinVar aggregate classification (germline): Uncertain significance. Review status: criteria provided, multiple submitters, no conflicts (2 of 4 stars). 3 submissions from 3 submitters: Uncertain significance (3). Last evaluated 2025-11-26.

Conditions:
Desmin-related myofibrillar myopathy (MFM1). Also called: Desminopathy; Desmin related myopathy (former name); Desmin storage myopathy (former name); Myofibrillar myopathy 1; MYOFIBRILLAR MYOPATHY WITH ARRHYTHMOGENIC RIGHT VENTRICULAR CARDIOMYOPATHY; DESMIN-RELATED MYOPATHY WITH ARRHYTHMOGENIC RIGHT VENTRICULAR CARDIOMYOPATHY. Identifiers: Orphanet 363543, Orphanet 98909, MedGen C1832370, MONDO:0011076, OMIM 601419.
Dilated cardiomyopathy 1I (CMD1I). Identifiers: Orphanet 154, MedGen C1858154, MONDO:0011482, OMIM 604765.
Neurogenic scapuloperoneal syndrome, Kaeser type (SCPNK). Also called: KAESER SYNDROME. Identifiers: Orphanet 85146, MedGen C1867005, MONDO:0008407, OMIM 181400.
Cardiomyopathy (CMYO). Also called: Cardiomyopathies. Identifiers: Orphanet 167848, MedGen C0878544, MONDO:0004994, HP:0001638. Inheritance: Various modes of inheritance.

Allele frequency attached by ClinVar (database versions not stated): gnomAD exomes below 0.00001.

Submissions (3):

Labcorp Genetics (formerly Invitae), Labcorp
Classification: Uncertain significance for Desmin-related myofibrillar myopathy. Last evaluated: 2025-11-26. Review status: criteria provided, single submitter. Criteria: Invitae Variant Classification Sherloc (09022015). Collection method: clinical testing. Allele origin: germline.
Comment: This sequence change replaces arginine, which is basic and polar, with glutamine, which is neutral and polar, at codon 415 of the DES protein (p.Arg415Gln). This variant also falls at the last nucleotide of exon 6, which is part of the consensus splice site for this exon. The frequency data for this variant in the population databases is considered unreliable, as metrics indicate poor data quality at this position in the gnomAD database. This missense change has been observed in individual(s) with DES-related conditions (PMID: 26431784, 31983221, 33662488, 36264615, 37652022, 38727660). ClinVar contains an entry for this variant (Variation ID: 626714). Invitae Evidence Modeling of protein sequence and biophysical properties (such as structural, functional, and spatial information, amino acid conservation, physicochemical variation, residue mobility, and thermodynamic stability) has been performed for this missense variant. However, the output from this modeling did not meet the statistical confidence thresholds required to predict the impact of this variant on DES protein function. Experimental studies have shown that this missense change affects DES function (PMID: 38727660). Variants that disrupt the consensus splice site are a relatively common cause of aberrant splicing (PMID: 17576681, 9536098). Algorithms developed to predict the effect of sequence changes on RNA splicing suggest that this variant may disrupt the consensus splice site. In summary, the available evidence is currently insufficient to determine the role of this variant in disease. Therefore, it has been classified as a Variant of Uncertain Significance.

Fulgent Genetics
Classification: Uncertain significance for Neurogenic scapuloperoneal syndrome, Kaeser type; Desmin-related myofibrillar myopathy; Dilated cardiomyopathy 1I. Last evaluated: 2021-09-28. Review status: criteria provided, single submitter. Criteria: ACMG Guidelines, 2015. Collection method: clinical testing. Allele origin: unknown.

CHEO Genetics Diagnostic Laboratory, Children's Hospital of Eastern Ontario
Classification: Uncertain significance for Cardiomyopathy. Last evaluated: 2016-08-30. Review status: criteria provided, single submitter. Criteria: ACMG Guidelines, 2015. Collection method: clinical testing. Allele origin: germline. Study: Canadian Open Genetics Repository.

Literature cited by the submitters: PubMed 26431784 (cited by Labcorp Genetics (formerly Invitae), Labcorp); PubMed 31983221 (cited by Labcorp Genetics (formerly Invitae), Labcorp); PubMed 33662488 (cited by Labcorp Genetics (formerly Invitae), Labcorp); PubMed 36264615 (cited by Labcorp Genetics (formerly Invitae), Labcorp); PubMed 37652022 (cited by Labcorp Genetics (formerly Invitae), Labcorp); PubMed 38727660 (cited by Labcorp Genetics (formerly Invitae), Labcorp); PubMed 17576681 (cited by Labcorp Genetics (formerly Invitae), Labcorp); PubMed 9536098 (cited by Labcorp Genetics (formerly Invitae), Labcorp).